The following is an entry in ClinVar:

ClinVar aggregate classification (germline): Uncertain significance. Review status: criteria provided, multiple submitters, no conflicts (2 of 4 stars). 2 submissions from 2 submitters: Uncertain significance (2). Last evaluated 2026-09-16.

Allele frequency attached by ClinVar (database versions not stated): gnomAD 0.00003; TOPMed 0.00004.
gnomAD v4.1: 63 of 1,583,052 alleles (0.004%); highest among the groups gnomAD compares: Non-Finnish European, 0.0051%; no homozygotes.

Submissions (2):

GeneDx
Classification: Uncertain significance. Last evaluated: 2026-09-16. Review status: criteria provided, single submitter. Criteria: GeneDx Variant Classification Process June 2021. Collection method: clinical testing. Allele origin: germline.
Comment: Has not been previously published as pathogenic or benign to our knowledge; In silico analysis supports that this missense variant has a deleterious effect on protein structure/function; Not observed at significant frequency in large population cohorts (gnomAD)

Labcorp Genetics (formerly Invitae), Labcorp
Classification: Uncertain significance. Last evaluated: 2022-08-09. Review status: criteria provided, single submitter. Criteria: Invitae Variant Classification Sherloc (09022015). Collection method: clinical testing. Allele origin: germline.
Comment: This sequence change replaces glycine, which is neutral and non-polar, with valine, which is neutral and non-polar, at codon 341 of the LTBP4 protein (p.Gly341Val). This variant is present in population databases (rs776386058, gnomAD 0.008%). This variant has not been reported in the literature in individuals affected with LTBP4-related conditions. Experimental studies and prediction algorithms are not available or were not evaluated, and the functional significance of this variant is currently unknown. In summary, the available evidence is currently insufficient to determine the role of this variant in disease. Therefore, it has been classified as a Variant of Uncertain Significance.

NM_001042545.2(LTBP4):c.932G>T (p.Gly311Val)

Genes: LTBP4 (latent transforming growth factor beta binding protein 4; plus strand), LOC121627876 (Sharpr-MPRA regulatory region 12022; plus strand). Cytogenetic location: 19q13.2.
Variant type: single nucleotide variant.
Coding change: c.932G>T on transcript NM_001042545.2 (MANE Select); coding-DNA position 932, G replaced by T.
Protein change: p.Gly311Val; replaces glycine 311 with valine.
Molecular consequence: missense variant.
Genome position (GRCh38, 1-based): chr19:40,606,467, G>T. VCF-style: chr19-40606467-G-T. GRCh37 (hg19) VCF-style: chr19-41112373-G-T.
Other names: c.1133G>T, p.Gly378Val (NM_001042544.1); c.1022G>T, p.Gly341Val (NM_003573.2); short protein forms G311V, G341V, G378V.
Identifiers: ClinVar variation 1706858 (VCV001706858.5), dbSNP rs776386058, ClinGen allele CA9448150.